The following is an entry in ClinVar:

NM_002382.5(MAX):c.142G>A (p.Asp48Asn)

Genes: MAX (MYC associated transcriptional regulator X; minus strand), MAX-AS1 (MAX antisense RNA 1; plus strand). Cytogenetic location: 14q23.3.
Variant type: single nucleotide variant.
Coding change: c.142G>A on transcript NM_002382.5 (MANE Select); coding-DNA position 142, G replaced by A.
Protein change: p.Asp48Asn; replaces aspartic acid 48 with asparagine.
Molecular consequence: missense variant. On other transcripts: synonymous variant (1), non-coding transcript variant (1), 5 prime UTR variant (1).
Genome position (GRCh38, 1-based): chr14:65,093,737, C>T on the plus strand (G>A on the coding strand, the complement: MAX is on the minus strand). VCF-style: chr14-65093737-C-T. GRCh37 (hg19) VCF-style: chr14-65560455-C-T.
Other names: c.115G>A, p.Asp39Asn (NM_001407102.1, NM_001407108.1, NM_001407109.1 and 9 more transcripts); c.142G>A, p.Asp48Asn (NM_001407103.1, NM_001407104.1, NM_145113.3 and 5 more transcripts); c.-133G>A (NM_001407105.1, NM_001407106.1, NM_001407107.1 and 1 more transcripts); c.-226G>A (NM_001407111.1, NM_001407112.1); c.165G>A, p.Gly55= (NM_001407114.1); short protein forms D39N, D48N.
Identifiers: ClinVar variation 1482962 (VCV001482962.10), dbSNP rs2139883514, ClinGen allele CA390037659.
Genomic context (GRCh38, chr14:65,093,737, plus strand): 5'-GCCAGCTACTCAGCTTTCTCAGGAAACTCACCTTCTCTCCTTGGAGTGATGGGACTGAGT[C>T]CCGCAAACTGTGAAAGCTGTCTTTGATGTGGTCCCTACGTTTTCGTTCCAGTGCATTATG-3'
Protein context (NP_002373.3, residues 38-58): HIKDSFHSLR[Asp48Asn]SVPSLQGEKA

ClinVar aggregate classification (germline): Uncertain significance. Review status: criteria provided, multiple submitters, no conflicts (2 of 4 stars). 2 submissions from 2 submitters: Uncertain significance (2). Last evaluated 2026-07-11.

Conditions:
Hereditary pheochromocytoma and paraganglioma. Also called: Hereditary paragangliomas and pheochromocytomas; Hereditary pheochromocytoma-paraganglioma; Hereditary Paraganglioma-Pheochromocytoma Syndromes. Identifiers: Orphanet 29072, MedGen C4274332, MONDO:0017366.
Hereditary cancer-predisposing syndrome. Also called: Hereditary Cancer Syndrome; Tumor predisposition; Neoplastic Syndromes, Hereditary; Hereditary neoplastic syndrome. Identifiers: Orphanet 140162, MedGen C0027672, MeSH D009386, MONDO:0015356.

Allele frequency attached by ClinVar (database versions not stated): gnomAD exomes below 0.00001.
gnomAD v4.1: 4 of 1,610,216 alleles (0.00025%); highest among the groups gnomAD compares: Non-Finnish European, 0.00034%; no homozygotes.

Submissions (2):

Ambry Genetics
Classification: Uncertain significance for Hereditary cancer-predisposing syndrome. Last evaluated: 2026-07-11. Review status: criteria provided, single submitter. Criteria: Ambry Variant Classification Scheme 2023. Collection method: clinical testing. Allele origin: germline.
Comment: The p.D48N variant (also known as c.142G>A), located in coding exon 3 of the MAX gene, results from a G to A substitution at nucleotide position 142. The aspartic acid at codon 48 is replaced by asparagine, an amino acid with highly similar properties. This amino acid position is conserved. In addition, the in silico prediction for this alteration is inconclusive. Based on the available evidence, the clinical significance of this variant remains unclear.

Labcorp Genetics (formerly Invitae), Labcorp
Classification: Uncertain significance for Hereditary pheochromocytoma and paraganglioma. Last evaluated: 2023-09-12. Review status: criteria provided, single submitter. Criteria: Invitae Variant Classification Sherloc (09022015). Collection method: clinical testing. Allele origin: germline.
Comment: In summary, the available evidence is currently insufficient to determine the role of this variant in disease. Therefore, it has been classified as a Variant of Uncertain Significance. An algorithm developed to predict the effect of missense changes on protein structure and function (PolyPhen-2) suggests that this variant is likely to be disruptive. ClinVar contains an entry for this variant (Variation ID: 1482962). This variant has not been reported in the literature in individuals affected with MAX-related conditions. This variant is not present in population databases (gnomAD no frequency). This sequence change replaces aspartic acid, which is acidic and polar, with asparagine, which is neutral and polar, at codon 48 of the MAX protein (p.Asp48Asn).